The following is an entry in ClinVar:

NM_005094.4(SLC27A4):c.877+1G>T

Gene: SLC27A4 (solute carrier family 27 member 4; plus strand). Cytogenetic location: 9q34.11.
Variant type: single nucleotide variant.
Coding change: c.877+1G>T on transcript NM_005094.4 (MANE Select); the canonical splice donor site of the intron after coding-DNA position 877, G replaced by T.
Molecular consequence: splice donor variant.
Genome position (GRCh38, 1-based): chr9:128,350,576, G>T. VCF-style: chr9-128350576-G-T. GRCh37 (hg19) VCF-style: chr9-131112855-G-T.
Identifiers: ClinVar variation 2854688 (VCV002854688.3), dbSNP rs2539458101, ClinGen allele CA375033183.

ClinVar aggregate classification (germline): Likely pathogenic (1 of 4 stars; one submission).

Submission:

Labcorp Genetics (formerly Invitae), Labcorp
Classification: Likely pathogenic. Last evaluated: 2023-06-09. Review status: criteria provided, single submitter. Criteria: Invitae Variant Classification Sherloc (09022015). Collection method: clinical testing. Allele origin: germline.
Comment: In summary, the currently available evidence indicates that the variant is pathogenic, but additional data are needed to prove that conclusively. Therefore, this variant has been classified as Likely Pathogenic. Algorithms developed to predict the effect of sequence changes on RNA splicing suggest that this variant may disrupt the consensus splice site. This variant has not been reported in the literature in individuals affected with SLC27A4-related conditions. This variant is not present in population databases (gnomAD no frequency). This sequence change affects a donor splice site in intron 6 of the SLC27A4 gene. It is expected to disrupt RNA splicing. Variants that disrupt the donor or acceptor splice site typically lead to a loss of protein function (PMID: 16199547), and loss-of-function variants in SLC27A4 are known to be pathogenic (PMID: 19631310, 21450060).

Literature cited by the submitters: PubMed 16199547; PubMed 19631310; PubMed 21450060.